The following is an entry in ClinVar:

NM_000057.4(BLM):c.3985A>G (p.Lys1329Glu)

Gene: BLM (BLM RecQ like helicase; plus strand). Cytogenetic location: 15q26.1.
Variant type: single nucleotide variant.
Coding change: c.3985A>G on transcript NM_000057.4 (MANE Select); coding-DNA position 3985, A replaced by G.
Protein change: p.Lys1329Glu; replaces lysine 1329 with glutamic acid.
Molecular consequence: missense variant.
Genome position (GRCh38, 1-based): chr15:90,811,315, A>G. VCF-style: chr15-90811315-A-G. GRCh37 (hg19) VCF-style: chr15-91354545-A-G.
Other names: c.3985A>G, p.Lys1329Glu (NM_001287246.2); c.3592A>G, p.Lys1198Glu (NM_001287247.2); c.2860A>G, p.Lys954Glu (NM_001287248.2); short protein forms K954E, K1198E, K1329E.
Identifiers: ClinVar variation 643038 (VCV000643038.16), dbSNP rs190652985, ClinGen allele CA7739172.

ClinVar aggregate classification (germline): Conflicting classifications of pathogenicity. Review status: criteria provided, conflicting classifications (1 of 4 stars). 3 submissions from 3 submitters: Uncertain significance (1); Likely benign (1). 1 of the submissions does not count toward it. Last evaluated 2024-11-22.

Conditions:
Hereditary cancer-predisposing syndrome. Also called: Neoplastic Syndromes, Hereditary; Tumor predisposition; Hereditary neoplastic syndrome; Hereditary Cancer Syndrome. Identifiers: Orphanet 140162, MedGen C0027672, MeSH D009386, MONDO:0015356.
Bloom syndrome (BLM). Also called: Bloom-Torre-Machacek syndrome. Identifiers: Orphanet 125, MedGen C0005859, MONDO:0008876, OMIM 210900.

Allele frequency attached by ClinVar (database versions not stated): gnomAD 0.00001 and 0.00002; gnomAD exomes 0.00001 and 0.00004; TOPMed 0.00003; ExAC 0.00004; 1000 Genomes Project 30x 0.00031; 1000 Genomes Project 0.00040.
gnomAD v4.1: 12 of 1,614,240 alleles (0.00074%); highest among the groups gnomAD compares: East Asian, 0.025%; no homozygotes.

Submissions (3):

Labcorp Genetics (formerly Invitae), Labcorp
Classification: Uncertain significance for Bloom syndrome. Last evaluated: 2024-11-22. Review status: criteria provided, single submitter. Criteria: Invitae Variant Classification Sherloc (09022015). Collection method: clinical testing. Allele origin: germline.
Comment: This sequence change replaces lysine, which is basic and polar, with glutamic acid, which is acidic and polar, at codon 1329 of the BLM protein (p.Lys1329Glu). This variant is present in population databases (rs190652985, gnomAD 0.05%). This variant has not been reported in the literature in individuals affected with BLM-related conditions. ClinVar contains an entry for this variant (Variation ID: 643038). Invitae Evidence Modeling of protein sequence and biophysical properties (such as structural, functional, and spatial information, amino acid conservation, physicochemical variation, residue mobility, and thermodynamic stability) indicates that this missense variant is not expected to disrupt BLM protein function with a negative predictive value of 80%. In summary, the available evidence is currently insufficient to determine the role of this variant in disease. Therefore, it has been classified as a Variant of Uncertain Significance.

Ambry Genetics
Classification: Likely benign for Hereditary cancer-predisposing syndrome. Last evaluated: 2023-09-11. Review status: criteria provided, single submitter. Criteria: Ambry Variant Classification Scheme 2023. Collection method: clinical testing. Allele origin: germline.

Natera, Inc.
Classification: Uncertain significance for Bloom syndrome. Last evaluated: 2021-02-25. Review status: no assertion criteria provided. Collection method: clinical testing. Allele origin: germline. Not counted in ClinVar's aggregate classification.